The following is an entry in ClinVar:

ClinVar aggregate classification (germline): Uncertain significance (1 of 4 stars; one submission).

Conditions:
Developmental and epileptic encephalopathy, 53. Also called: Epileptic encephalopathy, early infantile, 53. Identifiers: MedGen C4479313, MONDO:0033362, OMIM 617389.
Early-onset Parkinson disease 20. Also called: PARKINSON DISEASE 20, AUTOSOMAL RECESSIVE EARLY-ONSET. Identifiers: Orphanet 391411, MedGen C3809824, MONDO:0014233, OMIM 615530.

Submission:

Labcorp Genetics (formerly Invitae), Labcorp
Classification: Uncertain significance for Developmental and epileptic encephalopathy, 53; Parkinson disease 20, early-onset. Last evaluated: 2019-01-23. Review status: criteria provided, single submitter. Criteria: Invitae Variant Classification Sherloc (09022015). Collection method: clinical testing. Allele origin: germline.
Comment: This variant, c.4215_4216insATTACT, results in the insertion of 2 amino acid(s) to the SYNJ1 protein (p.Val1405_Leu1406insIleThr), but otherwise preserves the integrity of the reading frame. This variant is not present in population databases (ExAC no frequency). This variant has not been reported in the literature in individuals with SYNJ1-related conditions. Experimental studies and prediction algorithms are not available for this variant, and the functional significance of the affected amino acid(s) is currently unknown. In summary, the available evidence is currently insufficient to determine the role of this variant in disease. Therefore, it has been classified as a Variant of Uncertain Significance.

NM_203446.3(SYNJ1):c.*186_*187insATTACT

Gene: SYNJ1 (synaptojanin 1; minus strand). Cytogenetic location: 21q22.11.
Variant type: Insertion.
Coding change: c.*186_*187insATTACT on transcript NM_203446.3 (MANE Select); 186 bases downstream of the stop codon through 187 bases downstream of the stop codon, ATTACT inserted.
Molecular consequence: 3 prime UTR variant. On other transcripts: inframe insertion (1), inframe indel (1).
Genome position: GRCh38 VCF-style: chr21-32631618-A-AAGTAAT. GRCh37 (hg19) VCF-style: chr21-34003928-A-AAGTAAT.
Other names: c.*185_*186insTATTAC (NM_001160302.2); c.3957_3958insATTACT, p.Val1319_Leu1320insIleThr (NM_001160306.2); c.4214_4215insTATTAC, p.Val1405_Leu1406insIleThr (NM_003895.4).
Identifiers: ClinVar variation 846293 (VCV000846293.1), dbSNP rs57257560, ClinGen allele CA638052257.